The following is an entry in ClinVar:

NM_139076.3(ABRAXAS1):c.418A>G (p.Ile140Val)

Gene: ABRAXAS1 (abraxas 1, BRCA1 A complex subunit; minus strand). Cytogenetic location: 4q21.23.
Variant type: single nucleotide variant.
Coding change: c.418A>G on transcript NM_139076.3 (MANE Select); coding-DNA position 418, A replaced by G.
Protein change: p.Ile140Val; replaces isoleucine 140 with valine.
Molecular consequence: missense variant.
Genome position (GRCh38, 1-based): chr4:83,470,261, T>C on the plus strand (A>G on the coding strand, the complement: ABRAXAS1 is on the minus strand). VCF-style: chr4-83470261-T-C. GRCh37 (hg19) VCF-style: chr4-84391414-T-C.
Other names: c.91A>G, p.Ile31Val (NM_001345962.2); short protein forms I31V, I140V.
Identifiers: ClinVar variation 3994445 (VCV003994445.1).
Genomic context (GRCh38, chr4:83,470,261, plus strand): 5'-ACCCTTTTTGAGGTTTATATAAGGAATGTTCCAGTCGATGAGTAGAGCAGCTTTCTGTTA[T>C]TATACTTGGTGTTAATAGCAGAAAAACAAGGTCTTGGTTTGAAAAATGCTCCTGCAAGTT-3'
Protein context (NP_620775.2, residues 130-150): LVFLLLTPSI[Ile140Val]TESCSTHRLE

ClinVar aggregate classification (germline): Uncertain significance (1 of 4 stars; one submission).

Submission:

Ambry Genetics
Classification: Uncertain significance. Last evaluated: 2025-05-11. Review status: criteria provided, single submitter. Criteria: Ambry Variant Classification Scheme 2023. Collection method: clinical testing. Allele origin: germline.
Comment: The p.I140V variant (also known as c.418A>G), located in coding exon 5 of the FAM175A gene, results from an A to G substitution at nucleotide position 418. The isoleucine at codon 140 is replaced by valine, an amino acid with highly similar properties. This amino acid position is conserved. In addition, this alteration is predicted to be tolerated by in silico analysis. Based on the available evidence, the clinical significance of this variant remains unclear.